The following is an entry in ClinVar:

NM_020738.4(KIDINS220):c.2305C>A (p.Leu769Met)

Gene: KIDINS220 (kinase D interacting substrate 220; minus strand). Cytogenetic location: 2p25.1.
Variant type: single nucleotide variant.
Coding change: c.2305C>A on transcript NM_020738.4 (MANE Select); coding-DNA position 2305, C replaced by A.
Protein change: p.Leu769Met; replaces leucine 769 with methionine.
Molecular consequence: missense variant. On other transcripts: non-coding transcript variant (2).
Genome position (GRCh38, 1-based): chr2:8,779,739, G>T on the plus strand (C>A on the coding strand, the complement: KIDINS220 is on the minus strand). VCF-style: chr2-8779739-G-T. GRCh37 (hg19) VCF-style: chr2-8919869-G-T.
Other names: c.2308C>A, p.Leu770Met (NM_001348729.2, NM_001348731.2, NM_001348734.2 and 3 more transcripts); c.2305C>A, p.Leu769Met (NM_001348732.2, NM_001348735.2, NM_001348738.2 and 3 more transcripts); c.2179C>A, p.Leu727Met (NM_001348736.2); short protein forms L727M, L769M, L770M.
Identifiers: ClinVar variation 3349230 (VCV003349230.1).

ClinVar aggregate classification (germline): Uncertain significance (0 of 4 stars; one submission).

Conditions:
KIDINS220-related disorder. Also called: KIDINS220-related condition.

Submission:

PreventionGenetics, part of Exact Sciences
Classification: Uncertain significance for KIDINS220-related condition. Last evaluated: 2024-01-03. Review status: no assertion criteria provided. Collection method: clinical testing. Allele origin: germline.
Comment: The KIDINS220 c.2305C>A variant is predicted to result in the amino acid substitution p.Leu769Met. To our knowledge, this variant has not been reported in the literature or in a large population database, indicating this variant is rare. At this time, the clinical significance of this variant is uncertain due to the absence of conclusive functional and genetic evidence.